The following is an entry in ClinVar:

NM_138927.4(SON):c.4955A>G (p.Glu1652Gly)

Gene: SON (SON DNA and RNA binding protein; plus strand). Cytogenetic location: 21q22.11.
Variant type: single nucleotide variant.
Coding change: c.4955A>G on transcript NM_138927.4 (MANE Select); coding-DNA position 4955, A replaced by G.
Protein change: p.Glu1652Gly; replaces glutamic acid 1652 with glycine.
Molecular consequence: missense variant. On other transcripts: non-coding transcript variant (1), intron variant (1).
Genome position (GRCh38, 1-based): chr21:33,554,186, A>G. VCF-style: chr21-33554186-A-G. GRCh37 (hg19) VCF-style: chr21-34926492-A-G.
Other names: c.4955A>G, p.Glu1652Gly (NM_001291411.2, NM_001412133.1, NM_032195.3 and 2 more transcripts); c.245-2970A>G (NM_001291412.3); short protein forms E1652G.
Identifiers: ClinVar variation 2421512 (VCV002421512.7), dbSNP rs780789920, ClinGen allele CA10009629.

ClinVar aggregate classification (germline): Uncertain significance. Review status: criteria provided, multiple submitters, no conflicts (2 of 4 stars). 2 submissions from 2 submitters: Uncertain significance (2). Last evaluated 2026-03-16.

Allele frequency attached by ClinVar (database versions not stated): TOPMed 0.00001; ExAC 0.00001; gnomAD 0.00001; gnomAD exomes 0.00001.

Submissions (2):

Women's Health and Genetics/Laboratory Corporation of America, LabCorp
Classification: Uncertain significance. Last evaluated: 2026-03-16. Review status: criteria provided, single submitter. Criteria: LabCorp Variant Classification Summary - May 2015. Collection method: clinical testing. Allele origin: germline.
Comment: Variant summary: SON c.4955A>G (p.Glu1652Gly) results in a non-conservative amino acid change in the encoded protein sequence. Algorithms developed to predict the effect of missense changes on protein structure and function are either unavailable or do not agree on the potential impact of this missense change. The variant allele was found at a frequency of 8e-06 in 251186 control chromosomes. The available data on variant occurrences in the general population are insufficient to allow any conclusion about variant significance. To our knowledge, no occurrence of c.4955A>G in individuals affected with SON-related conditions and no experimental evidence demonstrating its impact on protein function have been reported. ClinVar contains an entry for this variant (Variation ID: 2421512). Based on the evidence outlined above, the variant was classified as uncertain significance.

Labcorp Genetics (formerly Invitae), Labcorp
Classification: Uncertain significance. Last evaluated: 2023-02-08. Review status: criteria provided, single submitter. Criteria: Invitae Variant Classification Sherloc (09022015). Collection method: clinical testing. Allele origin: germline.
Comment: In summary, the available evidence is currently insufficient to determine the role of this variant in disease. Therefore, it has been classified as a Variant of Uncertain Significance. Algorithms developed to predict the effect of missense changes on protein structure and function are either unavailable or do not agree on the potential impact of this missense change (SIFT: "Deleterious"; PolyPhen-2: "Possibly Damaging"; Align-GVGD: "Class C0"). This variant has not been reported in the literature in individuals affected with SON-related conditions. This variant is present in population databases (rs780789920, gnomAD 0.006%). This sequence change replaces glutamic acid, which is acidic and polar, with glycine, which is neutral and non-polar, at codon 1652 of the SON protein (p.Glu1652Gly).